The following is an entry in ClinVar:

ClinVar aggregate classification (germline): Uncertain significance (1 of 4 stars; one submission).

Conditions:
Familial cold autoinflammatory syndrome 2 (FCAS2). Identifiers: Orphanet 247868, MedGen C2673198, MONDO:0012724, OMIM 611762.

gnomAD v4.1: 16 of 1,614,060 alleles (0.00099%); highest among the groups gnomAD compares: African/African-American, 0.004%; no homozygotes.

Submission:

Labcorp Genetics (formerly Invitae), Labcorp
Classification: Uncertain significance for Familial cold autoinflammatory syndrome 2. Last evaluated: 2024-05-31. Review status: criteria provided, single submitter. Criteria: Invitae Variant Classification Sherloc (09022015). Collection method: clinical testing. Allele origin: germline.
Comment: This sequence change replaces glycine, which is neutral and non-polar, with arginine, which is basic and polar, at codon 488 of the NLRP12 protein (p.Gly488Arg). This variant is present in population databases (no rsID available, gnomAD 0.004%). This variant has not been reported in the literature in individuals affected with NLRP12-related conditions. Advanced modeling of protein sequence and biophysical properties (such as structural, functional, and spatial information, amino acid conservation, physicochemical variation, residue mobility, and thermodynamic stability) performed at Invitae indicates that this missense variant is not expected to disrupt NLRP12 protein function with a negative predictive value of 80%. In summary, the available evidence is currently insufficient to determine the role of this variant in disease. Therefore, it has been classified as a Variant of Uncertain Significance.

NM_144687.4(NLRP12):c.1462G>A (p.Gly488Arg)

Gene: NLRP12 (NLR family pyrin domain containing 12; minus strand). Cytogenetic location: 19q13.42.
Variant type: single nucleotide variant.
Coding change: c.1462G>A on transcript NM_144687.4 (MANE Select); coding-DNA position 1462, G replaced by A.
Protein change: p.Gly488Arg; replaces glycine 488 with arginine.
Molecular consequence: missense variant.
Genome position (GRCh38, 1-based): chr19:53,810,197, C>T on the plus strand (G>A on the coding strand, the complement: NLRP12 is on the minus strand). VCF-style: chr19-53810197-C-T. GRCh37 (hg19) VCF-style: chr19-54313451-C-T.
Other names: c.1462G>A, p.Gly488Arg (NM_001277126.2, NM_001277129.1); short protein forms G488R.
Identifiers: ClinVar variation 3665032 (VCV003665032.2).